The following is an entry in ClinVar:

NM_001042492.3(NF1):c.4110+1G>C

Gene: NF1 (neurofibromin 1; plus strand). Cytogenetic location: 17q11.2.
Variant type: single nucleotide variant.
Coding change: c.4110+1G>C on transcript NM_001042492.3 (MANE Select); the canonical splice donor site of the intron after coding-DNA position 4110, G replaced by C.
Molecular consequence: splice donor variant.
Genome position (GRCh38, 1-based): chr17:31,249,120, G>C. VCF-style: chr17-31249120-G-C. GRCh37 (hg19) VCF-style: chr17-29576138-G-C.
Other names: c.4110+1G>C (NM_000267.4).
Identifiers: ClinVar variation 996478 (VCV000996478.13), dbSNP rs1555617383, ClinGen allele CA398995111.

ClinVar aggregate classification (germline): Pathogenic/Likely pathogenic. Review status: criteria provided, multiple submitters, no conflicts (2 of 4 stars). 6 submissions from 6 submitters: Pathogenic (5); Likely pathogenic (1). Last evaluated 2025-09-03.

Conditions:
NF1-related disorder. Also called: NF1-related condition. Identifiers: MedGen CN379171.
Cardiovascular phenotype. Identifiers: MedGen CN230736.
Hereditary cancer-predisposing syndrome. Also called: Hereditary Cancer Syndrome; Hereditary neoplastic syndrome; Tumor predisposition; Neoplastic Syndromes, Hereditary. Identifiers: Orphanet 140162, MedGen C0027672, MeSH D009386, MONDO:0015356.
Neurofibromatosis, type 1 (NF1). Also called: Neurofibromatosis, type I; Peripheral type neurofibromatosis; VON RECKLINGHAUSEN DISEASE; NEUROFIBROMATOSIS, TYPE I, SOMATIC. Identifiers: Orphanet 636, MedGen C0027831, MONDO:0018975, OMIM 162200. Disease mechanism: loss of function.

Submissions (7):

Ambry Genetics
Classification: Likely pathogenic for Cardiovascular phenotype; Hereditary cancer-predisposing syndrome. Last evaluated: 2025-09-03. Review status: criteria provided, single submitter. Criteria: Ambry Variant Classification Scheme 2023. Collection method: clinical testing. Allele origin: germline.
Comment: The c.4110+1G>C intronic variant results from a G to C substitution one nucleotide after coding exon 30 of the NF1 gene. Alterations that disrupt the canonical splice site are expected to cause aberrant splicing, resulting in an abnormal protein or a transcript that is subject to nonsense-mediated mRNA decay. This variant was reported in individual(s) with features consistent with neurofibromatosis type 1 (Fahsold R et al. Am J Hum Genet, 2000 Mar;66:790-818). This nucleotide position is highly conserved in available vertebrate species. In silico splice site analysis predicts that this alteration will weaken the native splice donor site. RNA studies have demonstrated that this alteration results in a splice defect; the clinical impact of this abnormal splicing is unknown at this time (Ambry internal data). This variant is considered to be rare based on population cohorts in the Genome Aggregation Database (gnomAD). Based on the majority of available evidence to date, this variant is likely to be pathogenic.

Dasa
Classification: Pathogenic. Last evaluated: 2024-06-26. Review status: criteria provided, single submitter. Criteria: DASA Assertion Criteria. Collection method: clinical testing. Allele origin: germline.
Comment: NM_001042492.3(NF1):c.4110+1G>C affects a canonical splice site and is predicted to disrupt normal RNA splicing, leading to loss of normal protein function. Loss-of-function is an established mechanism of disease for this gene. This variant has been reported in individuals with related phenotype. The variant is present at low frequency in population datasets. Based on the available data, this variant is classified as pathogenic.

Blueprint Genetics
Classification: Pathogenic for NF1-related disorders. Last evaluated: 2024-05-24. Review status: criteria provided, single submitter. Criteria: ACMG Guidelines, 2015. Collection method: clinical testing. Allele origin: germline. Affected: yes. Observed: 1 variant allele.

Labcorp Genetics (formerly Invitae), Labcorp
Classification: Pathogenic for Neurofibromatosis, type 1. Last evaluated: 2023-01-17. Review status: criteria provided, single submitter. Criteria: Invitae Variant Classification Sherloc (09022015). Collection method: clinical testing. Allele origin: germline.
Comment: This sequence change affects a donor splice site in intron 30 of the NF1 gene. It is expected to disrupt RNA splicing. Variants that disrupt the donor or acceptor splice site typically lead to a loss of protein function (PMID: 16199547), and loss-of-function variants in NF1 are known to be pathogenic (PMID: 10712197, 23913538). This variant is not present in population databases (gnomAD no frequency). Disruption of this splice site has been observed in individual(s) with Neurofibromatosis type 1 (PMID: 10712197). ClinVar contains an entry for this variant (Variation ID: 996478). Algorithms developed to predict the effect of sequence changes on RNA splicing suggest that this variant may disrupt the consensus splice site. For these reasons, this variant has been classified as Pathogenic.

GeneDx
Classification: Pathogenic. Last evaluated: 2022-08-23. Review status: criteria provided, single submitter. Criteria: GeneDx Variant Classification Process June 2021. Collection method: clinical testing. Allele origin: germline. Affected: yes.
Comment: Canonical splice site variant predicted to result in a null allele in a gene for which loss of function is a known mechanism of disease; Not observed at significant frequency in large population cohorts (gnomAD); Also known as IVS23.2+1G>C; This variant is associated with the following publications: (PMID: 10712197, 29952103, 31766501, 25525159)

Genome Diagnostics Laboratory, The Hospital for Sick Children
Classification: Pathogenic for Neurofibromatosis, type 1. Last evaluated: 2020-10-26. Review status: criteria provided, single submitter. Criteria: ACMG Guidelines, 2015. Collection method: clinical testing. Allele origin: germline. Affected: yes.

Dr. Peter K. Rogan Lab, Western University
No classification provided (evidence only). Condition: Hepatocellular carcinoma. Review status: no classification provided. Collection method: in vitro. Allele origin: not applicable. Functional consequence: retained intron. Not counted in ClinVar's aggregate classification.

Literature cited by the submitters: PubMed 10712197 (cited by Ambry Genetics and Labcorp Genetics (formerly Invitae), Labcorp); PubMed 16199547 (cited by Labcorp Genetics (formerly Invitae), Labcorp); PubMed 23913538 (cited by Labcorp Genetics (formerly Invitae), Labcorp).